The following is an entry in ClinVar:

ClinVar aggregate classification (germline): Pathogenic/Likely pathogenic. Review status: criteria provided, multiple submitters, no conflicts (2 of 4 stars). 19 submissions from 17 submitters: Pathogenic (10); Likely pathogenic (4). 5 of the submissions do not count toward it. Last evaluated 2026-10-23.

Conditions:
CDHR1-related disorders.
CDHR1-related disorder. Also called: CDHR1-related condition.
Macular dystrophy, retinal, 5. Identifiers: MedGen C5829994, MONDO:0700381.
Retinal dystrophy. Also called: Inherited retinal dystrophy. Identifiers: Orphanet 71862, MedGen C0854723, MeSH D058499, MONDO:0019118, HP:0000556.
Retinitis pigmentosa 65 (RP65). Identifiers: MedGen C3552852, MONDO:0800352.
Retinitis pigmentosa (RP). Identifiers: Orphanet 791, MedGen C0035334, MeSH D012174, MONDO:0019200, OMIM 268000. Inheritance: Autosomal dominant, autosomal recessive and X linked inheritance.
Cone-rod dystrophy 15 (CORD15). Identifiers: MedGen C3150912, MONDO:0013348, OMIM 613660.
Cone dystrophy. Identifiers: Orphanet 1871, MedGen C0730290, MONDO:0000455.

Submissions 1 to 13 of 19:

GeneDx
Classification: Pathogenic. Last evaluated: 2026-10-23. Review status: criteria provided, single submitter. Criteria: GeneDx Variant Classification Process June 2021. Collection method: clinical testing. Allele origin: germline.
Comment: Frameshift variant predicted to result in abnormal protein length as the last 19 amino acids are replaced with 118 different amino acids; This variant is associated with the following publications: (PMID: 37510321, 35260635, 31964843, 36460718, 37734845, 27623334, 28041643, 29555955, 31387115, 31130284, 32581362, 32646556, 38540785, 28765526, 35656873, 26766544, 33576794, 30718709, 35836572, 34229535, 38927562, 38219857, 33546218, 41595520, 33749171)

PreventionGenetics, part of Exact Sciences
Classification: Pathogenic for CDHR1-related condition. Last evaluated: 2026-06-03. Review status: criteria provided, single submitter. Criteria: ACMG Guidelines, 2015. Collection method: clinical testing. Allele origin: germline.
Comment: The CDHR1 c.2522_2528del7 variant is predicted to result in a frameshift and premature protein termination (p.Ile841Serfs*119). This variant has been reported many times, often in the homozygous state, in individuals with retinal disease (see for examples: Arno et al. 2016. PubMed ID: 27623334; Weisschuh et al. 2016. PubMed ID: 26766544; Table S1, Lin et al. 2024. PubMed ID: 38219857). This variant is present in 0.0062% of alleles in individuals of European (Non-Finnish) descent in gnomAD. This variant is interpreted as pathogenic.

3billion
Classification: Pathogenic for Cone-rod dystrophy 15. Last evaluated: 2025-12-24. Review status: criteria provided, single submitter. Criteria: ACMG Guidelines, 2015. Collection method: clinical testing. Allele origin: germline. Affected: yes.
Comment: The variant is observed at an extremely low frequency in the gnomAD v4.1.0 dataset (total allele frequency: 0.001%). Predicted Consequence/Location: Frameshift: predicted to result in a loss or disruption of normal protein function through protein truncation. The predicted truncated protein may be shortened by less than 10%. The variant has been reported to co-segregate with the disease in at least 3 similarly affected relatives/individuals in the same family or similarly affected unrelated families (PMID: 28765526). The variant has been reported at least twice as pathogenic with clinical assertions and evidence for the classification (ClinVar ID: VCV000194793 /PMID: 26766544). Therefore, this variant is classified as Pathogenic according to the recommendation of ACMG/AMP guideline.

CeGaT Center for Human Genetics Tuebingen
Classification: Pathogenic. Last evaluated: 2025-10-01. Review status: criteria provided, single submitter. Criteria: CeGaT Center For Human Genetics Tuebingen Variant Classification Criteria Version 2. Collection method: clinical testing. Allele origin: germline. Affected: yes. Observed: 5 variant alleles.
Comment: CDHR1: PM3:Very Strong, PP1:Strong, PVS1:Strong, PM2

Blueprint Genetics
Classification: Pathogenic for CDHR1-related disorders. Last evaluated: 2024-10-24. Review status: criteria provided, single submitter. Criteria: ACMG Guidelines, 2015. Collection method: clinical testing. Allele origin: germline. Affected: yes. Observed: 5 variant alleles.

Labcorp Genetics (formerly Invitae), Labcorp
Classification: Pathogenic. Last evaluated: 2024-06-22. Review status: criteria provided, single submitter. Criteria: Invitae Variant Classification Sherloc (09022015). Collection method: clinical testing. Allele origin: germline.
Comment: This sequence change results in a frameshift in the CDHR1 gene (p.Ile841Serfs*119). While this is not anticipated to result in nonsense mediated decay, it is expected to disrupt the last 19 amino acid(s) of the CDHR1 protein and extend the protein by 99 additional amino acid residues. This variant is present in population databases (rs752341696, gnomAD 0.007%). This frameshift has been observed in individuals with cone rod dystrophy and retinitis pigmentosa (PMID: 26766544, 28041643, 28765526). It has also been observed to segregate with disease in related individuals. ClinVar contains an entry for this variant (Variation ID: 194793). For these reasons, this variant has been classified as Pathogenic.

Broad Center for Mendelian Genomics, Broad Institute of MIT and Harvard
Classification: Pathogenic for Cone-rod dystrophy 15. Last evaluated: 2023-01-25. Review status: criteria provided, single submitter. Criteria: ACMG Guidelines, 2015. Collection method: curation. Allele origin: germline. Inheritance: Autosomal recessive inheritance.
Comment: The p.Ile841SerfsTer119 variant in CDHR1 has been previously reported in 12 unrelated individuals with autosomal recessive cone-rod dystrophy 15 (PMID: 28765526, PMID: 31130284, PMID: 32581362, PMID: 30718709, PMID: 31387115, PMID: 29555955, PMID: 28041643, PMID: 26766544) and segregated with disease in 5 affected relatives from two families (PMID: 28765526), but has been identified in 0.006% (7/113220) of European (non-Finnish) chromosomes by the Genome Aggregation Database (gnomAD; dbSNP ID: rs1429453310). Although this variant has been seen in the general population in a heterozygous state, its frequency is low enough to be consistent with a recessive carrier frequency. Of these 12 previously reported affected individuals (PMID: 28765526, PMID: 31130284, PMID: 32581362, PMID: 30718709, PMID: 31387115, PMID: 29555955, PMID: 28041643, PMID: 26766544), 6 were homozygotes (PMID: 32581362, PMID: 28765526, PMID: 28041643), 2 were compound heterozygotes who carried pathogenic or likely pathogenic variants in trans (PMID: 31130284, ClinVar Variation ID: 812262; PMID: 32581362, ClinVar Variation ID: 438117) and 4 were compound heterozygotes who carried variants of uncertain significance in trans (PMID: 26766544, PMID: 28765526, ClinVar Variation ID: 438115; PMID: 31387115, PMID: 29555955, ClinVar Variation ID: 301224), which increases the likelihood that the p.Ile841SerfsTer119 variant is pathogenic. This variant has also been reported in ClinVar (Variation ID: 194793) and has conflicting interpretations of pathogenicity. This variant is predicted to cause a frameshift, which alters the protein‚Äôs amino acid sequence beginning at position 841 and leads to a premature termination codon 119 amino acids downstream. This termination codon occurs within the terminal 50 bases of the last exon and is more likely to escape nonsense mediated decay (NMD) and result in a truncated protein. Loss of function of the CDHR1 gene is an established disease mechanism in autosomal recessive cone-rod dystrophy 15. In summary, this variant meets criteria to be classified as pathogenic for autosomal recessive cone-rod dystrophy 15. ACMG/AMP Criteria applied: PVS1_Moderate, PM2_Supporting, PM3_VeryStrong, PP1 (Richards 2015).

Institute of Human Genetics, Univ. Regensburg, Univ. Regensburg
Classification: Likely pathogenic for Retinal dystrophy. Last evaluated: 2023-01-01. Review status: criteria provided, single submitter. Criteria: ACMG Guidelines, 2015. Collection method: clinical testing. Allele origin: germline. Affected: yes.

Department of Pathology and Laboratory Medicine, Sinai Health System
Classification: Pathogenic for Cone-rod dystrophy 15. Last evaluated: 2022-12-31. Review status: criteria provided, single submitter. Criteria: ACMG Guidelines, 2015. Collection method: research. Allele origin: germline.

Institute of Human Genetics, University of Leipzig Medical Center
Classification: Likely pathogenic for Cone-rod dystrophy 15. Last evaluated: 2022-01-20. Review status: criteria provided, single submitter. Criteria: ACMG Guidelines, 2015. Collection method: clinical testing. Allele origin: unknown. Affected: yes.
Comment: This variant was identified as homozygous. Criteria applied: PVS1_MOD, PS4_MOD, PM3, PM2_SUP

Institute of Medical Molecular Genetics, University of Zurich
Classification: Likely pathogenic for Cone-rod dystrophy 15. Last evaluated: 2021-01-30. Review status: criteria provided, single submitter. Criteria: ACMG Guidelines, 2015. Collection method: clinical testing. Allele origin: unknown. Affected: yes.

Institute of Medical Genetics and Applied Genomics, University Hospital Tübingen
Classification: Pathogenic. Last evaluated: 2020-10-23. Review status: criteria provided, single submitter. Criteria: ACMG Guidelines, 2015. Collection method: clinical testing. Allele origin: germline. Inheritance: Unknown mechanism. Affected: yes.

Centre for Mendelian Genomics, University Medical Centre Ljubljana
Classification: Pathogenic for Cone-rod dystrophy 15. Last evaluated: 2019-02-21. Review status: criteria provided, single submitter. Criteria: ACMG Guidelines, 2015. Collection method: clinical testing. Allele origin: unknown. Affected: yes.
Comment: This variant was classified as: Pathogenic. The following ACMG criteria were applied in classifying this variant: PVS1,PM2.

NM_033100.4(CDHR1):c.2522_2528del (p.Ile841fs)

Gene: CDHR1 (cadherin related family member 1; plus strand). Cytogenetic location: 10q23.1.
Variant type: Deletion.
Coding change: c.2522_2528del on transcript NM_033100.4 (MANE Select); coding-DNA positions 2522 to 2528, 7 bases deleted (TCTCTGA; older notation c.2522_2528delTCTCTGA).
Protein change: p.Ile841fs; shifts the reading frame from isoleucine 841.
Molecular consequence: frameshift variant. On other transcripts: intron variant (1).
Genome position (GRCh38, 1-based): chr10:84,214,563-84,214,569, TCTCTGA deleted; deleting any 7 consecutive bases within chr10:84,214,557-84,214,569 gives the same sequence; the c. name uses the placement nearest the transcript's 3' end. VCF-style (leftmost placement, unchanged base first): chr10-84214556-ACTCTGAT-A. GRCh37 (hg19) VCF-style: chr10-85974312-ACTCTGAT-A.
Other names: NM_033100.4(CDHR1):c.2522_2528del; p.Ile841fs; c.2040+1215_2040+1221del (NM_001171971.3); c.2522_2528del7 (NM_033100.3); short protein forms I841fs.
Identifiers: ClinVar variation 194793 (VCV000194793.43), dbSNP rs794727197, ClinGen allele CA240964.